The following is an entry in ClinVar:

ClinVar aggregate classification (germline): Uncertain significance (1 of 4 stars; one submission).

Allele frequency attached by ClinVar (database versions not stated): ExAC 0.00001.
gnomAD v4.1: 4 of 1,612,338 alleles (0.00025%); highest among the groups gnomAD compares: Non-Finnish European, 0.00034%; no homozygotes.

Submission:

Labcorp Genetics (formerly Invitae), Labcorp
Classification: Uncertain significance. Last evaluated: 2024-10-29. Review status: criteria provided, single submitter. Criteria: Invitae Variant Classification Sherloc (09022015). Collection method: clinical testing. Allele origin: germline.
Comment: This sequence change replaces leucine, which is neutral and non-polar, with valine, which is neutral and non-polar, at codon 97 of the CRADD protein (p.Leu97Val). This variant is present in population databases (rs768005868, gnomAD 0.002%). This variant has not been reported in the literature in individuals affected with CRADD-related conditions. ClinVar contains an entry for this variant (Variation ID: 3006248). An algorithm developed to predict the effect of missense changes on protein structure and function (PolyPhen-2) suggests that this variant is likely to be tolerated. In summary, the available evidence is currently insufficient to determine the role of this variant in disease. Therefore, it has been classified as a Variant of Uncertain Significance.

NM_003805.5(CRADD):c.289C>G (p.Leu97Val)

Gene: CRADD (CARD and death domain containing adaptor protein; plus strand). Cytogenetic location: 12q22.
Variant type: single nucleotide variant.
Coding change: c.289C>G on transcript NM_003805.5 (MANE Select); coding-DNA position 289, C replaced by G.
Protein change: p.Leu97Val; replaces leucine 97 with valine.
Molecular consequence: missense variant. On other transcripts: non-coding transcript variant (1).
Genome position (GRCh38, 1-based): chr12:93,679,063, C>G. VCF-style: chr12-93679063-C-G. GRCh37 (hg19) VCF-style: chr12-94072839-C-G.
Other names: c.289C>G, p.Leu97Val (NM_001320099.2, NM_001320100.2, NM_001320101.3 and 1 more transcripts); short protein forms L97V.
Identifiers: ClinVar variation 3006248 (VCV003006248.3), dbSNP rs768005868, ClinGen allele CA6720166.